The following is an entry in ClinVar:

NM_000330.4(RS1):c.625C>T (p.Arg209Cys)

Genes: CDKL5 (cyclin dependent kinase like 5; plus strand), RS1 (retinoschisin 1; minus strand). Cytogenetic location: Xp22.13.
Variant type: single nucleotide variant.
Coding change: c.625C>T on transcript NM_000330.4 (MANE Select); coding-DNA position 625, C replaced by T.
Protein change: p.Arg209Cys; replaces arginine 209 with cysteine.
Molecular consequence: missense variant. On other transcripts: intron variant (2).
Genome position (GRCh38, 1-based): chrX:18,642,054, G>A on the plus strand (C>T on the coding strand, the complement: RS1 is on the minus strand). VCF-style: chrX-18642054-G-A. GRCh37 (hg19) VCF-style: chrX-18660174-G-A.
Other names: NM_000330.3(RS1):c.625C>T(p.Arg209Cys); c.2714-3953G>A (NM_003159.3, NM_001037343.2); short protein forms R209C.
Identifiers: ClinVar variation 99006 (VCV000099006.17), dbSNP rs281865361, ClinGen allele CA226823.

ClinVar aggregate classification (germline): Pathogenic/Likely pathogenic. Review status: criteria provided, multiple submitters, no conflicts (2 of 4 stars). 9 submissions from 9 submitters: Pathogenic (5); Likely pathogenic (2). 2 of the submissions do not count toward it. Last evaluated 2026-05-20.

Conditions:
Retinal dystrophy. Also called: Inherited retinal dystrophy. Identifiers: Orphanet 71862, MedGen C0854723, MeSH D058499, MONDO:0019118, HP:0000556.
Juvenile retinoschisis (RS1). Also called: X-Linked Juvenile Retinoschisis; X-linked retinoschisis. Identifiers: Orphanet 792, MedGen C3714753, MONDO:0010725, OMIM 312700.

Submissions (9):

Women's Health and Genetics/Laboratory Corporation of America, LabCorp
Classification: Pathogenic for Juvenile retinoschisis. Last evaluated: 2026-05-20. Review status: criteria provided, single submitter. Criteria: LabCorp Variant Classification Summary - May 2015. Collection method: clinical testing. Allele origin: germline.
Comment: Variant summary: RS1 c.625C>T (p.Arg209Cys) results in a non-conservative amino acid change in the encoded protein sequence. Algorithms developed to predict the effect of missense changes on protein structure and function all suggest that this variant is likely to be disruptive. The variant was absent in 183177 control chromosomes. c.625C>T has been observed in the hemizygous state in multiple individuals affected with Juvenile Retinoschisis (example, Hahn_2022). These data indicate that the variant is very likely to be associated with disease. To our knowledge, no experimental evidence demonstrating an impact on protein function has been reported. The following publication has been ascertained in the context of this evaluation (PMID: 34624300). ClinVar contains an entry for this variant (Variation ID: 99006). Based on the evidence outlined above, the variant was classified as pathogenic.

GeneDx
Classification: Pathogenic. Last evaluated: 2025-11-24. Review status: criteria provided, single submitter. Criteria: GeneDx Variant Classification Process June 2021. Collection method: clinical testing. Allele origin: germline. Affected: yes.
Comment: Published functional studies demonstrate a damaging effect on protein processing, protein transport, and protein secretion (PMID: 31668851); Not observed at significant frequency in large population cohorts (gnomAD); In silico analysis supports that this missense variant has a deleterious effect on protein structure/function; This variant is associated with the following publications: (PMID: 34624300, 31429209, 35456481, 16272055, 20061330, 30652005, 34822951, 36377647, 33124204, 37734845, 34645606, 19390641, 19093009, 38219857, 39202371, 39648411, 9618178, 15932525, 15531314, 20801516, 28272453, 31672582, 36499601, 38279267, 39293640, 39503290, 31668851)

Labcorp Genetics (formerly Invitae), Labcorp
Classification: Pathogenic. Last evaluated: 2025-10-14. Review status: criteria provided, single submitter. Criteria: Invitae Variant Classification Sherloc (09022015). Collection method: clinical testing. Allele origin: germline.
Comment: This sequence change replaces arginine, which is basic and polar, with cysteine, which is neutral and slightly polar, at codon 209 of the RS1 protein (p.Arg209Cys). This variant is not present in population databases (gnomAD no frequency). This missense change has been observed in individuals with retinoschisis (PMID: 9618178, 28272453, 30652005). ClinVar contains an entry for this variant (Variation ID: 99006). Invitae Evidence Modeling of protein sequence and biophysical properties (such as structural, functional, and spatial information, amino acid conservation, physicochemical variation, residue mobility, and thermodynamic stability) indicates that this missense variant is expected to disrupt RS1 protein function with a positive predictive value of 95%. For these reasons, this variant has been classified as Pathogenic.

SingHealth Duke-NUS Institute of Precision Medicine
Classification: Likely pathogenic for Juvenile retinoschisis. Last evaluated: 2025-02-05. Review status: criteria provided, single submitter. Criteria: PRISM ACMG Classification Criteria. Collection method: clinical testing. Allele origin: germline. Affected: yes.
Comment: Variant is located In a mutational hotspot where >50% of variants are pathogenic (PM1). REVEL score is 0.955 (PP3_str). Prevalence in affected individuals is significantly increased compared to general population (PS4). Variant is not found in gnomAD exomes and genomes (PM2). RS1 variants are specific to retinoschisis phenotypes (PP4)

Institute of Human Genetics, Univ. Regensburg, Univ. Regensburg
Classification: Pathogenic for Retinal dystrophy. Last evaluated: 2021-01-01. Review status: criteria provided, single submitter. Criteria: ACMG Guidelines, 2015. Collection method: clinical testing. Allele origin: germline. Affected: yes.

Institute of Medical Genetics and Applied Genomics, University Hospital Tübingen
Classification: Pathogenic. Last evaluated: 2020-10-23. Review status: criteria provided, single submitter. Criteria: ACMG Guidelines, 2015. Collection method: clinical testing. Allele origin: germline. Inheritance: Unknown mechanism. Affected: yes.

SIB Swiss Institute of Bioinformatics
Classification: Likely pathogenic for Juvenile retinoschisis. Last evaluated: 2018-05-31. Review status: criteria provided, single submitter. Criteria: ACMG Guidelines, 2015. Collection method: curation. Allele origin: unknown.
Comment: This variant is interpreted as a Likely Pathogenic, for Retinoschisis juvenile X-linked 1, in X-linked Recessive manner. The following ACMG Tag(s) were applied: PM2 => Absent from controls (or at extremely low frequency if recessive) in Exome Sequencing Project, 1000 Genomes Project, or Exome Aggregation Consortium. PS4-Moderate => PS4 downgraded in strength to Moderate (PMID:16272055,19093009,15531314,28272453,19390641,15932525). PM5 => Novel missense change at an amino acid residue where a different missense change determined to be pathogenic has been seen before. PP3 => Multiple lines of computational evidence support a deleterious effect on the gene or gene product. PP1 => Cosegregation with disease in multiple affected family members in a gene definitively known to cause the disease (PMID:15531314).

Counsyl
Classification: Likely pathogenic for Juvenile retinoschisis. Last evaluated: 2016-11-14. Review status: no assertion criteria provided. Collection method: clinical testing. Allele origin: unknown. Not counted in ClinVar's aggregate classification.

Retina International
No classification provided. Review status: no classification provided. Collection method: not provided. Allele origin: unknown. Not counted in ClinVar's aggregate classification.

Literature cited by the submitters: PubMed 34624300 (cited by Women's Health and Genetics/Laboratory Corporation of America, LabCorp and Institute of Human Genetics, Univ. Regensburg, Univ. Regensburg); PubMed 9618178 (cited by 3 submitters); PubMed 28272453 (cited by Labcorp Genetics (formerly Invitae), Labcorp and SIB Swiss Institute of Bioinformatics); PubMed 30652005 (cited by Labcorp Genetics (formerly Invitae), Labcorp and Institute of Human Genetics, Univ. Regensburg, Univ. Regensburg); PubMed 20061330 (cited by Institute of Human Genetics, Univ. Regensburg, Univ. Regensburg and Counsyl); PubMed 31429209 (cited by Institute of Human Genetics, Univ. Regensburg, Univ. Regensburg); PubMed 35456481 (cited by Institute of Human Genetics, Univ. Regensburg, Univ. Regensburg); PubMed 36377647 (cited by Institute of Human Genetics, Univ. Regensburg, Univ. Regensburg); PubMed 34822951 (cited by Institute of Human Genetics, Univ. Regensburg, Univ. Regensburg); PubMed 34645606 (cited by Institute of Human Genetics, Univ. Regensburg, Univ. Regensburg); PubMed 16272055 (cited by SIB Swiss Institute of Bioinformatics and Counsyl); PubMed 19093009 (cited by SIB Swiss Institute of Bioinformatics and Counsyl); PubMed 15531314 (cited by SIB Swiss Institute of Bioinformatics and Counsyl); PubMed 19390641 (cited by SIB Swiss Institute of Bioinformatics); PubMed 15932525 (cited by SIB Swiss Institute of Bioinformatics); PubMed 20801516 (cited by Counsyl).